The following is an entry in ClinVar:

NM_017986.4(SLC52A1):c.175A>C (p.Asn59His)

Gene: SLC52A1 (solute carrier family 52 member 1; minus strand). Cytogenetic location: 17p13.2.
Variant type: single nucleotide variant.
Coding change: c.175A>C on transcript NM_017986.4 (MANE Select); coding-DNA position 175, A replaced by C.
Protein change: p.Asn59His; replaces asparagine 59 with histidine.
Molecular consequence: missense variant.
Genome position (GRCh38, 1-based): chr17:5,034,314, T>G on the plus strand (A>C on the coding strand, the complement: SLC52A1 is on the minus strand). VCF-style: chr17-5034314-T-G. GRCh37 (hg19) VCF-style: chr17-4937609-T-G.
Other names: c.175A>C, p.Asn59His (NM_001104577.2); short protein forms N59H.
Identifiers: ClinVar variation 3679786 (VCV003679786.2).

ClinVar aggregate classification (germline): Uncertain significance (1 of 4 stars; one submission).

Conditions:
Vitamin B2 deficiency. Identifiers: MedGen C0035528.

gnomAD v4.1: 1 of 1,592,388 alleles (0.000063%); highest among the groups gnomAD compares: Non-Finnish European, 0.000086%; no homozygotes.

Submission:

Labcorp Genetics (formerly Invitae), Labcorp
Classification: Uncertain significance for Vitamin B2 deficiency. Last evaluated: 2024-04-27. Review status: criteria provided, single submitter. Criteria: Invitae Variant Classification Sherloc (09022015). Collection method: clinical testing. Allele origin: germline.
Comment: This sequence change replaces asparagine, which is neutral and polar, with histidine, which is basic and polar, at codon 59 of the SLC52A1 protein (p.Asn59His). This variant is not present in population databases (gnomAD no frequency). This variant has not been reported in the literature in individuals affected with SLC52A1-related conditions. Advanced modeling of protein sequence and biophysical properties (such as structural, functional, and spatial information, amino acid conservation, physicochemical variation, residue mobility, and thermodynamic stability) performed at Invitae indicates that this missense variant is expected to disrupt SLC52A1 protein function with a positive predictive value of 80%. In summary, the available evidence is currently insufficient to determine the role of this variant in disease. Therefore, it has been classified as a Variant of Uncertain Significance.